The following is an entry in ClinVar:

NM_016156.6(MTMR2):c.305G>A (p.Arg102Gln)

Gene: MTMR2 (myotubularin related protein 2; minus strand). Cytogenetic location: 11q21.
Variant type: single nucleotide variant.
Coding change: c.305G>A on transcript NM_016156.6 (MANE Select); coding-DNA position 305, G replaced by A.
Protein change: p.Arg102Gln; replaces arginine 102 with glutamine.
Molecular consequence: missense variant.
Genome position (GRCh38, 1-based): chr11:95,862,324, C>T on the plus strand (G>A on the coding strand, the complement: MTMR2 is on the minus strand). VCF-style: chr11-95862324-C-T. GRCh37 (hg19) VCF-style: chr11-95595488-C-T.
Other names: c.89G>A, p.Arg30Gln (NM_001243571.2, NM_201278.3, NM_201281.3); short protein forms R30Q, R102Q.
Identifiers: ClinVar variation 1393264 (VCV001393264.8), dbSNP rs1864454618, ClinGen allele CA382430208.
Genomic context (GRCh38, chr11:95,862,324, plus strand): 5'-ACTCTTACCCGTTCCATGCTTTTGAAATATAACCTATAATTCGTGACAGTCAGAGTTCCT[C>T]GTACAGCGCCAGTGAATGGACATATATAAGTTACATCTTTGGCTGAAAAAGCAAGAAGTC-3'
Protein context (NP_057240.3, residues 92-112): TYICPFTGAV[Arg102Gln]GTLTVTNYRL

ClinVar aggregate classification (germline): Uncertain significance (1 of 4 stars; one submission).

Conditions:
Charcot-Marie-Tooth disease type 4. Also called: Charcot-Marie-Tooth, Type 4; Charcot-Marie-Tooth disease, type IV. Identifiers: Orphanet 64749, MedGen C4082197, MONDO:0018995.

Allele frequency attached by ClinVar (database versions not stated): gnomAD exomes below 0.00001; TOPMed 0.00001.
gnomAD v4.1: 7 of 1,614,052 alleles (0.00043%); highest among the groups gnomAD compares: South Asian, 0.0022%; no homozygotes.

Submission:

Labcorp Genetics (formerly Invitae), Labcorp
Classification: Uncertain significance for Charcot-Marie-Tooth disease type 4. Last evaluated: 2021-04-28. Review status: criteria provided, single submitter. Criteria: Invitae Variant Classification Sherloc (09022015). Collection method: clinical testing. Allele origin: germline.
Comment: In summary, the available evidence is currently insufficient to determine the role of this variant in disease. Therefore, it has been classified as a Variant of Uncertain Significance. Algorithms developed to predict the effect of missense changes on protein structure and function (SIFT, PolyPhen-2, Align-GVGD) all suggest that this variant is likely to be tolerated, but these predictions have not been confirmed by published functional studies and their clinical significance is uncertain. This variant has not been reported in the literature in individuals with MTMR2-related conditions. This variant is not present in population databases (ExAC no frequency). This sequence change replaces arginine with glutamine at codon 102 of the MTMR2 protein (p.Arg102Gln). The arginine residue is moderately conserved and there is a small physicochemical difference between arginine and glutamine.